The following is an entry in ClinVar:

ClinVar aggregate classification (germline): Uncertain significance. Review status: criteria provided, multiple submitters, no conflicts (2 of 4 stars). 2 submissions from 2 submitters: Uncertain significance (2). Last evaluated 2023-08-17.

Conditions:
Primary ciliary dyskinesia. Also called: Ciliary dyskinesia. Identifiers: Orphanet 244, MedGen C0008780, MONDO:0016575, HP:0012265.

Allele frequency attached by ClinVar (database versions not stated): gnomAD exomes below 0.00001.
gnomAD v4.1: 1 of 1,551,964 alleles (0.000064%); highest among the groups gnomAD compares: Non-Finnish European, 0.000087%; no homozygotes.

Submissions (2):

Labcorp Genetics (formerly Invitae), Labcorp
Classification: Uncertain significance for Primary ciliary dyskinesia. Last evaluated: 2023-08-17. Review status: criteria provided, single submitter. Criteria: Invitae Variant Classification Sherloc (09022015). Collection method: clinical testing. Allele origin: germline.
Comment: In summary, the available evidence is currently insufficient to determine the role of this variant in disease. Therefore, it has been classified as a Variant of Uncertain Significance. Advanced modeling of protein sequence and biophysical properties (such as structural, functional, and spatial information, amino acid conservation, physicochemical variation, residue mobility, and thermodynamic stability) performed at Invitae indicates that this missense variant is not expected to disrupt DNAH11 protein function. ClinVar contains an entry for this variant (Variation ID: 1447662). This variant has not been reported in the literature in individuals affected with DNAH11-related conditions. This variant is not present in population databases (gnomAD no frequency). This sequence change replaces alanine, which is neutral and non-polar, with proline, which is neutral and non-polar, at codon 46 of the DNAH11 protein (p.Ala46Pro).

Ambry Genetics
Classification: Uncertain significance for Primary ciliary dyskinesia. Last evaluated: 2023-07-27. Review status: criteria provided, single submitter. Criteria: Ambry Variant Classification Scheme 2023. Collection method: clinical testing. Allele origin: germline.
Comment: The p.A46P variant (also known as c.136G>C), located in coding exon 1 of the DNAH11 gene, results from a G to C substitution at nucleotide position 136. The alanine at codon 46 is replaced by proline, an amino acid with highly similar properties. This amino acid position is conserved. In addition, this alteration is predicted to be tolerated by in silico analysis. Since supporting evidence is limited at this time, the clinical significance of this alteration remains unclear.

NM_001277115.2(DNAH11):c.136G>C (p.Ala46Pro)

Gene: DNAH11 (dynein axonemal heavy chain 11; plus strand). Cytogenetic location: 7p15.3.
Variant type: single nucleotide variant.
Coding change: c.136G>C on transcript NM_001277115.2 (MANE Select); coding-DNA position 136, G replaced by C.
Protein change: p.Ala46Pro; replaces alanine 46 with proline.
Molecular consequence: missense variant.
Genome position (GRCh38, 1-based): chr7:21,543,381, G>C. VCF-style: chr7-21543381-G-C. GRCh37 (hg19) VCF-style: chr7-21582999-G-C.
Other names: c.136G>C (NM_001277115.1); short protein forms A46P.
Identifiers: ClinVar variation 1447662 (VCV001447662.18), dbSNP rs918116615, ClinGen allele CA155057790.